The following is an entry in ClinVar:

NM_001197224.4(BEAN1):c.*97C>T

Gene: BEAN1 (brain expressed associated with NEDD4 1; plus strand). Cytogenetic location: 16q21.
Variant type: single nucleotide variant.
Coding change: c.*97C>T on transcript NM_001197224.4; 97 bases downstream of the stop codon, C replaced by T.
Molecular consequence: 3 prime UTR variant.
Genome position (GRCh38, 1-based): chr16:66,493,162, C>T. VCF-style: chr16-66493162-C-T. GRCh37 (hg19) VCF-style: chr16-66527065-C-T.
Other names: NM_001197225.3:c.348C>T.
Identifiers: ClinVar variation 3056497 (VCV003056497.2), dbSNP rs115852696, ClinGen allele CA8093527.

ClinVar aggregate classification (germline): Benign (0 of 4 stars; one submission).

Conditions:
BEAN1-related disorder. Also called: BEAN1-related condition.

Allele frequency attached by ClinVar (database versions not stated): ExAC 0.01030; gnomAD exomes 0.00734; TOPMed 0.06531; 1000 Genomes Project 30x 0.07074; gnomAD 0.05866; 1000 Genomes Project 0.06829.
gnomAD v4.1: 13,106 of 702,904 alleles (1.9%); highest among the groups gnomAD compares: African/African-American, 20%; 1,198 homozygotes.

Submission:

PreventionGenetics, part of Exact Sciences
Classification: Benign for BEAN1-related condition. Last evaluated: 2019-06-19. Review status: no assertion criteria provided. Collection method: clinical testing. Allele origin: germline.
Comment: This variant is classified as benign based on ACMG/AMP sequence variant interpretation guidelines (Richards et al. 2015 PMID: 25741868, with internal and published modifications).